The following is an entry in ClinVar:

ClinVar aggregate classification (germline): Uncertain significance (1 of 4 stars; one submission).

Allele frequency attached by ClinVar (database versions not stated): gnomAD 0.00001; gnomAD exomes 0.00001; TOPMed 0.00002.
gnomAD v4.1: 16 of 1,609,690 alleles (0.00099%); highest among the groups gnomAD compares: Non-Finnish European, 0.0014%; no homozygotes.

Submission:

Women's Health and Genetics/Laboratory Corporation of America, LabCorp
Classification: Uncertain significance. Last evaluated: 2023-09-28. Review status: criteria provided, single submitter. Criteria: LabCorp Variant Classification Summary - May 2015. Collection method: clinical testing. Allele origin: germline.
Comment: Variant summary: WAC c.611-3A>C alters a conserved nucleotide located close to a canonical splice site and therefore could affect mRNA splicing, leading to a significantly altered protein sequence. Computational tools predict no significant impact on normal splicing (two predict the variant strengthens a 3' acceptor site). However, these predictions have yet to be confirmed by functional studies. The variant allele was found at a frequency of 4e-06 in 247670 control chromosomes (gnomAD). The available data on variant occurrences in the general population are insufficient to allow any conclusion about variant significance. To our knowledge, no occurrence of c.611-3A>C in individuals affected with Desanto-Shinawi Syndrome and no experimental evidence demonstrating its impact on protein function have been reported. No submitters have cited clinical-significance assessments for this variant to ClinVar after 2014. Based on the evidence outlined above, the variant was classified as VUS-possibly benign.

NM_016628.5(WAC):c.611-3A>C

Gene: WAC (WW domain containing adaptor with coiled-coil; plus strand). Cytogenetic location: 10p12.1.
Variant type: single nucleotide variant.
Coding change: c.611-3A>C on transcript NM_016628.5 (MANE Select); 3 bases into the intron before coding-DNA position 611, A replaced by C.
Molecular consequence: intron variant.
Genome position (GRCh38, 1-based): chr10:28,595,730, A>C. VCF-style: chr10-28595730-A-C. GRCh37 (hg19) VCF-style: chr10-28884659-A-C.
Other names: c.476-3A>C (NM_100264.3); c.610+4898A>C (NM_100486.4).
Identifiers: ClinVar variation 2627352 (VCV002627352.1), dbSNP rs1369277468, ClinGen allele CA592781040.